The following is an entry in ClinVar:

NM_002485.5(NBN):c.1183A>G (p.Met395Val)

Gene: NBN (nibrin; minus strand). Cytogenetic location: 8q21.3.
Variant type: single nucleotide variant.
Coding change: c.1183A>G on transcript NM_002485.5 (MANE Select); coding-DNA position 1183, A replaced by G.
Protein change: p.Met395Val; replaces methionine 395 with valine.
Molecular consequence: missense variant.
Genome position (GRCh38, 1-based): chr8:89,955,497, T>C on the plus strand (A>G on the coding strand, the complement: NBN is on the minus strand). VCF-style: chr8-89955497-T-C. GRCh37 (hg19) VCF-style: chr8-90967725-T-C.
Other names: c.937A>G, p.Met313Val (NM_001024688.3); short protein forms M395V, M313V.
Identifiers: ClinVar variation 2841469 (VCV002841469.4), dbSNP rs1810670337, ClinGen allele CA371656408.

ClinVar aggregate classification (germline): Uncertain significance. Review status: criteria provided, multiple submitters, no conflicts (2 of 4 stars). 2 submissions from 2 submitters: Uncertain significance (2). Last evaluated 2025-02-21.

Conditions:
Microcephaly, normal intelligence and immunodeficiency (NBS). Also called: Nijmegen breakage syndrome; Microcephaly with normal intelligence immunodeficiency and lymphoreticular malignancies; Nonsyndromal microcephaly autosomal recessive with normal intelligence; Seemanova syndrome 2; BERLIN BREAKAGE SYNDROME; IMMUNODEFICIENCY, MICROCEPHALY, AND CHROMOSOMAL INSTABILITY. Identifiers: Orphanet 647, MedGen C0398791, MONDO:0009623, OMIM 251260.
Hereditary cancer-predisposing syndrome. Also called: Hereditary Cancer Syndrome; Hereditary neoplastic syndrome; Neoplastic Syndromes, Hereditary; Tumor predisposition. Identifiers: Orphanet 140162, MedGen C0027672, MeSH D009386, MONDO:0015356.

Allele frequency attached by ClinVar (database versions not stated): gnomAD exomes below 0.00001.
gnomAD v4.1: 1 of 1,613,622 alleles (0.000062%); highest among the groups gnomAD compares: South Asian, 0.0011%; no homozygotes.

Submissions (2):

Ambry Genetics
Classification: Uncertain significance for Hereditary cancer-predisposing syndrome. Last evaluated: 2025-02-21. Review status: criteria provided, single submitter. Criteria: Ambry Variant Classification Scheme 2023. Collection method: clinical testing. Allele origin: germline.
Comment: The p.M395V variant (also known as c.1183A>G), located in coding exon 10 of the NBN gene, results from an A to G substitution at nucleotide position 1183. The methionine at codon 395 is replaced by valine, an amino acid with highly similar properties. This amino acid position is conserved. In addition, this alteration is predicted to be tolerated by in silico analysis. Based on the available evidence, the clinical significance of this variant remains unclear.

Labcorp Genetics (formerly Invitae), Labcorp
Classification: Uncertain significance for Microcephaly, normal intelligence and immunodeficiency. Last evaluated: 2023-02-28. Review status: criteria provided, single submitter. Criteria: Invitae Variant Classification Sherloc (09022015). Collection method: clinical testing. Allele origin: germline.
Comment: In summary, the available evidence is currently insufficient to determine the role of this variant in disease. Therefore, it has been classified as a Variant of Uncertain Significance. Algorithms developed to predict the effect of missense changes on protein structure and function output the following: SIFT: "Not Available"; PolyPhen-2: "Benign"; Align-GVGD: "Not Available". The valine amino acid residue is found in multiple mammalian species, which suggests that this missense change does not adversely affect protein function. This variant has not been reported in the literature in individuals affected with NBN-related conditions. This variant is not present in population databases (gnomAD no frequency). This sequence change replaces methionine, which is neutral and non-polar, with valine, which is neutral and non-polar, at codon 395 of the NBN protein (p.Met395Val).